The following is an entry in ClinVar:

NM_001040616.3(LINS1):c.809del (p.Phe270fs)

Gene: LINS1 (lines homolog 1; minus strand). Cytogenetic location: 15q26.3.
Variant type: Deletion.
Coding change: c.809del on transcript NM_001040616.3 (MANE Select); coding-DNA position 809, one base deleted (T; older notation c.809delT).
Protein change: p.Phe270fs; shifts the reading frame from phenylalanine 270.
Molecular consequence: frameshift variant. On other transcripts: non-coding transcript variant (3).
Genome position (GRCh38, 1-based): chr15:100,574,064, A deleted on the plus strand (T on the coding strand, the reverse complement: LINS1 is on the minus strand); the first of 3 consecutive A bases (chr15:100,574,064-100,574,066); deleting any one gives the same sequence. VCF-style (leftmost placement, unchanged base first): chr15-100574063-GA-G. GRCh37 (hg19) VCF-style: chr15-101114268-GA-G.
Other names: c.62del, p.Phe21fs (NM_001352507.2); c.764del, p.Phe255fs (NM_001352508.2); c.809delT (NM_001040616.2); short protein forms F255fs, F21fs, F270fs.
Identifiers: ClinVar variation 817855 (VCV000817855.2), dbSNP rs1596890522, ClinGen allele CA915946175.

ClinVar aggregate classification (germline): Pathogenic (1 of 4 stars; one submission).

Submission:

GeneDx
Classification: Pathogenic. Last evaluated: 2019-11-12. Review status: criteria provided, single submitter. Criteria: GeneDx Variant Classification Process June 2021. Collection method: clinical testing. Allele origin: germline. Affected: yes.
Comment: Frameshift variant predicted to result in protein truncation or nonsense mediated decay in a gene for which loss-of-function is a known mechanism of disease; Not observed in large population cohorts (Lek et al., 2016); Has not been previously published as pathogenic or benign to our knowledge